The following is an entry in ClinVar:

NM_002734.5(PRKAR1A):c.1081C>G (p.Pro361Ala)

Gene: PRKAR1A (protein kinase cAMP-dependent type I regulatory subunit alpha; plus strand). Cytogenetic location: 17q24.2.
Variant type: single nucleotide variant.
Coding change: c.1081C>G on transcript NM_002734.5 (MANE Select); coding-DNA position 1081, C replaced by G.
Protein change: p.Pro361Ala; replaces proline 361 with alanine.
Molecular consequence: missense variant. On other transcripts: intron variant (1).
Genome position (GRCh38, 1-based): chr17:68,530,384, C>G. VCF-style: chr17-68530384-C-G. GRCh37 (hg19) VCF-style: chr17-66526525-C-G.
Other names: c.1081C>G, p.Pro361Ala (NM_001276289.2, NM_001278433.2, NM_001369389.1 and 3 more transcripts); c.973+383C>G (NM_001276290.1); short protein forms P361A.
Identifiers: ClinVar variation 662737 (VCV000662737.8), dbSNP rs1600496423, ClinGen allele CA400754796.
Genomic context (GRCh38, chr17:68,530,384, plus strand): 5'-GCTCGTGGCCCCTTGAAGTGCGTTAAGCTGGACCGACCTAGATTTGAACGTGTTCTTGGC[C>G]CATGCTCAGACATCCTCAAACGAAACATCCAGCAGTACAACAGTTTTGTGTCACTGTCTG-3'
Protein context (NP_002725.1, residues 351-371): DRPRFERVLG[Pro361Ala]CSDILKRNIQ

ClinVar aggregate classification (germline): Uncertain significance (1 of 4 stars; one submission).

Conditions:
Carney complex, type 1 (CNC1). Also called: CARNEY MYXOMA-ENDOCRINE COMPLEX; CARNEY COMPLEX, TYPE I. Identifiers: Orphanet 1359, MedGen C2607929, MONDO:0008057, OMIM 160980.

Submission:

Labcorp Genetics (formerly Invitae), Labcorp
Classification: Uncertain significance for Carney complex, type 1. Last evaluated: 2018-12-26. Review status: criteria provided, single submitter. Criteria: Invitae Variant Classification Sherloc (09022015). Collection method: clinical testing. Allele origin: germline.
Comment: In summary, the available evidence is currently insufficient to determine the role of this variant in disease. Therefore, it has been classified as a Variant of Uncertain Significance. Algorithms developed to predict the effect of missense changes on protein structure and function are either unavailable or do not agree on the potential impact of this missense change (SIFT: "Deleterious"; PolyPhen-2: "Probably Damaging"; Align-GVGD: "Class C0"). This variant has not been reported in the literature in individuals with PRKAR1A-related conditions. This variant is not present in population databases (ExAC no frequency). This sequence change replaces proline with alanine at codon 361 of the PRKAR1A protein (p.Pro361Ala). The proline residue is highly conserved and there is a small physicochemical difference between proline and alanine.